The following is an entry in ClinVar:

ClinVar aggregate classification (germline): Likely pathogenic (1 of 4 stars; one submission).

Submission:

Quest Diagnostics Nichols Institute San Juan Capistrano
Classification: Likely pathogenic. Last evaluated: 2025-11-07. Review status: criteria provided, single submitter. Criteria: Quest Diagnostics criteria. Collection method: clinical testing. Allele origin: unknown.
Comment: The BRCA2 c.8177del (p.Tyr2726Leufs*7) variant alters the translational reading frame of the BRCA2 mRNA and is predicted to cause the premature termination of BRCA2 protein synthesis. This variant has not been reported in individuals with BRCA2-related conditions in the published literature. This variant has not been reported in large, multi-ethnic general populations (Genome Aggregation Database). Based on the available information, this variant is classified as likely pathogenic .

NM_000059.4(BRCA2):c.8177del (p.Tyr2726fs)

Gene: BRCA2 (BRCA2 DNA repair associated; plus strand). Cytogenetic location: 13q13.1.
Variant type: Deletion.
Coding change: c.8177del on transcript NM_000059.4 (MANE Select); coding-DNA position 8177, one base deleted (A; older notation c.8177delA).
Protein change: p.Tyr2726fs; shifts the reading frame from tyrosine 2726.
Molecular consequence: frameshift variant. On other transcripts: non-coding transcript variant (1).
Genome position (GRCh38, 1-based): chr13:32,363,379, A deleted. VCF-style (leftmost placement, unchanged base first): chr13-32363378-TA-T. GRCh37 (hg19) VCF-style: chr13-32937515-TA-T.
Other names: c.8177delA, p.Tyr2726Leufs (NM_000059.3); c.8081del, p.Tyr2694fs (NM_001406719.1); c.8177del, p.Tyr2726fs (NM_001406720.1, NM_001432077.1); c.3245del, p.Tyr1082fs (NM_001406721.1); c.1760del, p.Tyr587fs (NM_001406722.1); short protein forms Y1082fs, Y2694fs, Y2726fs, Y587fs.
Identifiers: ClinVar variation 4532835 (VCV004532835.1).